The following is an entry in ClinVar:

ClinVar aggregate classification (germline): Pathogenic. Review status: reviewed by expert panel (3 of 4 stars). 4 submissions from 4 submitters: Pathogenic (1). 3 of the submissions do not count toward it. Last evaluated 2026-05-19.

Conditions:
SHORT syndrome. Also called: SHORT STATURE, HYPEREXTENSIBILITY, HERNIA, OCULAR DEPRESSION, RIEGER ANOMALY, AND TEETHING DELAY; PIK3R1-Related SHORT Syndrome; LIPODYSTROPHY, PARTIAL, WITH RIEGER ANOMALY AND SHORT STATURE. Identifiers: Orphanet 3163, MedGen C0878684, MONDO:0010026, OMIM 269880.
Immunodeficiency 36 with lymphoproliferation. Also called: ACTIVATED PI3K-DELTA SYNDROME 2; Immunodeficiency 36; Activated PI3K Delta Syndrome Type 2 (APDS2). Identifiers: Orphanet 397596, Orphanet 693681, MedGen C4014934, MONDO:0014453, OMIM 616005.
Agammaglobulinemia 7, autosomal recessive (AGM7). Also called: AGAMMAGLOBULINEMIA, AUTOSOMAL RECESSIVE, DUE TO PIK3R1 DEFECT. Identifiers: MedGen C3554689, MONDO:0014083, OMIM 615214.
PIK3R1-related immunodeficiency and SHORT syndrome. Identifiers: MedGen CN379774, MONDO:1060136.
Inborn genetic diseases. Identifiers: MedGen C0950123, MeSH D030342.

Submissions (4):

ClinGen Primary Immune Regulatory Disorders Variant Curation Expert Panel, ClinGen
Classification: Pathogenic for PIK3R1-related immunodeficiency and SHORT syndrome. Last evaluated: 2026-05-19. Review status: reviewed by expert panel. Criteria: ClinGen AbDef ACMG Specifications PIK3R1 V1.0.0. Collection method: curation. Allele origin: germline. Inheritance: Autosomal dominant inheritance.
Comment: NM_181523.3(PIK3R1):c.1425+2T>A disrupts a canonical splice site and has been shown by an mRNA splicing assay to result in skipping of exon 11 of the PIK3R1 protein (PMID: 27221134, PVS1_Strong). This variant is located within the splice donor + 2 dinucleotide position with a comparable variant (c.1425+2T>G) within the same splice donor +2 dinucleotide that has been classified Pathogenic by VCEP standards. This variant is absent from gnomAD v4.1.0 (PM2_Supporting). This variant has been reported in at least 1 proband with a phenotype that includes a diagnosis of activated PI3K-delta syndrome, upper respiratory infections as well as pneumonia and bronchiectasis (4 pts), adenopathy with lymphoid hyperplasia (4 pts), neurodevelopmental delay (1 pt), EBV and CMV chronic replication (3 pts), chronic cutaneomucosal candidiasis, diffuse large B-cell lymphoma (2 pts), low IgA but normal IgG and IgM levels, low CD19+ B cell count (0.5 pts), and increased proportion of transitional B cells (2 pts), with genotyping method not reported in sufficient detail to exclude alternative causes in other loci (16.5 total points, PMID: 27221134, PS4_Supporting). The variant was identified as a de novo occurrence in this proband with unconfirmed parental relationships, with the phenotype considered to be consistent with PIK3R1-related immunodeficiency and SHORT syndrome (PS2_Supporting; PMID: 27221134). In summary, this variant meets the criteria to be classified as pathogenic for autosomal dominant PIK3R1-related immunodeficiency and SHORT syndrome based on the ACMG/AMP criteria applied, as specified by the ClinGen Antibody Deficiencies VCEP: PVS1_Strong, PS1, PM2_Supporting, PS4_Supporting, and PS2_Supporting. (VCEP specifications version 1.0.0; date of approval 04/29/2026).

Ambry Genetics
Classification: Pathogenic for Inborn genetic diseases. Last evaluated: 2024-12-16. Review status: criteria provided, single submitter. Criteria: Ambry Variant Classification Scheme 2023. Collection method: clinical testing. Allele origin: germline. Not counted in ClinVar's aggregate classification.
Comment: The c.1425+2T>A intronic variant results from a T to A substitution two nucleotides after exon 11 (coding exon 10) of the PIK3R1 gene. Alterations that disrupt the canonical splice site are expected to result in aberrant splicing. The resulting transcript is predicted to be in-frame and is not expected to trigger nonsense-mediated mRNA decay. for PIK3R1-related immunodeficiency; however, its clinical significance for SHORT syndrome is uncertain This variant was not reported in population-based cohorts in the Genome Aggregation Database (gnomAD). This alteration has been reported in multiple individuals and was determined to be de novo in at least one individual with features consistent with PIK3R1-related immunodeficiency (Elkaim, 2016; Olbrich, 2016). Other alterations impacting the same donor site (c.1425+1G>C, c.1425+1G>A) have been shown to have a similar impact on splicing in individuals with hyper IgM syndrome, lymphadenopathy, and short stature (Lucas, 2014; Deau, 2014; Petrovski, 2016). This nucleotide position is highly conserved in available vertebrate species. RNA studies have demonstrated that this alteration results in abnormal splicing (Elkaim, 2016; Olbrich, 2016). In silico splice site analysis predicts that this alteration will weaken the native splice donor site. Based on the available evidence, this alteration is classified as pathogenic.

Labcorp Genetics (formerly Invitae), Labcorp
Classification: Pathogenic for SHORT syndrome; Immunodeficiency 36 with lymphoproliferation; Agammaglobulinemia 7, autosomal recessive. Last evaluated: 2024-04-11. Review status: criteria provided, single submitter. Criteria: Invitae Variant Classification Sherloc (09022015). Collection method: clinical testing. Allele origin: germline. Not counted in ClinVar's aggregate classification.
Comment: This sequence change affects a donor splice site in intron 11 of the PIK3R1 gene. RNA analysis indicates that disruption of this splice site induces altered splicing and likely results in a shortened protein product. This variant is not present in population databases (gnomAD no frequency). Disruption of this splice site has been observed in individual(s) with clinical features of PIK3R1-related conditions (PMID: 25133428, 28104464). In at least one individual the variant was observed to be de novo. ClinVar contains an entry for this variant (Variation ID: 446497). Studies have shown that disruption of this splice site results in skipping of exon 11 (also known as exon 10 due to alternative exon numbering), but is expected to preserve the integrity of the reading-frame (PMID: 25133428). For these reasons, this variant has been classified as Pathogenic.

OMIM
Classification: Pathogenic for IMMUNODEFICIENCY 36 WITH LYMPHOPROLIFERATION. Last evaluated: 2025-05-05. Review status: no assertion criteria provided. Collection method: literature only. Allele origin: germline. Not counted in ClinVar's aggregate classification.

Literature cited by the submitters: PubMed 25133428 (cited by Labcorp Genetics (formerly Invitae), Labcorp); PubMed 28104464 (cited by Labcorp Genetics (formerly Invitae), Labcorp); PubMed 27221134 (cited by OMIM); PubMed 36943234 (cited by OMIM).

NM_181523.3(PIK3R1):c.1425+2T>A

Gene: PIK3R1 (phosphoinositide-3-kinase regulatory subunit 1; plus strand). Cytogenetic location: 5q13.1.
Variant type: single nucleotide variant.
Coding change: c.1425+2T>A on transcript NM_181523.3 (MANE Select); the canonical splice donor site of the intron after coding-DNA position 1425, T replaced by A.
Molecular consequence: splice donor variant.
Genome position (GRCh38, 1-based): chr5:68,293,836, T>A. VCF-style: chr5-68293836-T-A. GRCh37 (hg19) VCF-style: chr5-67589664-T-A.
Other names: IVS11DS, T-A, +2; c.525+2T>A (NM_181524.2); c.615+2T>A (NM_181504.4); c.336+2T>A (NM_001242466.2).
Identifiers: ClinVar variation 446497 (VCV000446497.9), dbSNP rs1554051075, ClinGen allele CA359880509.